The following is an entry in ClinVar:

NM_002858.4(ABCD3):c.1252A>G (p.Ile418Val)

Gene: ABCD3 (ATP binding cassette subfamily D member 3; plus strand). Cytogenetic location: 1p21.3.
Variant type: single nucleotide variant.
Coding change: c.1252A>G on transcript NM_002858.4 (MANE Select); coding-DNA position 1252, A replaced by G.
Protein change: p.Ile418Val; replaces isoleucine 418 with valine.
Molecular consequence: missense variant.
Genome position (GRCh38, 1-based): chr1:94,489,905, A>G. VCF-style: chr1-94489905-A-G. GRCh37 (hg19) VCF-style: chr1-94955461-A-G.
Other names: short protein forms I418V.
Identifiers: ClinVar variation 2982723 (VCV002982723.3), dbSNP rs746212775, ClinGen allele CA960381.

ClinVar aggregate classification (germline): Uncertain significance (1 of 4 stars; one submission).

Allele frequency attached by ClinVar (database versions not stated): gnomAD 0.00001; gnomAD exomes 0.00001; TOPMed 0.00001; ExAC 0.00002.
gnomAD v4.1: 5 of 1,612,998 alleles (0.00031%); highest among the groups gnomAD compares: Admixed American, 0.0083%; no homozygotes.

Submission:

Labcorp Genetics (formerly Invitae), Labcorp
Classification: Uncertain significance. Last evaluated: 2023-03-16. Review status: criteria provided, single submitter. Criteria: Invitae Variant Classification Sherloc (09022015). Collection method: clinical testing. Allele origin: germline.
Comment: This sequence change replaces isoleucine, which is neutral and non-polar, with valine, which is neutral and non-polar, at codon 418 of the ABCD3 protein (p.Ile418Val). This variant is present in population databases (rs746212775, gnomAD 0.02%). This variant has not been reported in the literature in individuals affected with ABCD3-related conditions. Algorithms developed to predict the effect of missense changes on protein structure and function output the following: SIFT: "Not Available"; PolyPhen-2: "Benign"; Align-GVGD: "Not Available". The valine amino acid residue is found in multiple mammalian species, which suggests that this missense change does not adversely affect protein function. In summary, the available evidence is currently insufficient to determine the role of this variant in disease. Therefore, it has been classified as a Variant of Uncertain Significance.